The following is an entry in ClinVar:

NM_000057.4(BLM):c.440C>A (p.Ser147Tyr)

Gene: BLM (BLM RecQ like helicase; plus strand). Cytogenetic location: 15q26.1.
Variant type: single nucleotide variant.
Coding change: c.440C>A on transcript NM_000057.4 (MANE Select); coding-DNA position 440, C replaced by A.
Protein change: p.Ser147Tyr; replaces serine 147 with tyrosine.
Molecular consequence: missense variant. On other transcripts: 5 prime UTR variant (1).
Genome position (GRCh38, 1-based): chr15:90,749,708, C>A. VCF-style: chr15-90749708-C-A. GRCh37 (hg19) VCF-style: chr15-91292938-C-A.
Other names: c.440C>A, p.Ser147Tyr (NM_001287246.2, NM_001287247.2); c.-852C>A (NM_001287248.2); short protein forms S147Y.
Identifiers: ClinVar variation 1740378 (VCV001740378.2), dbSNP rs2505392397, ClinGen allele CA393840730.

ClinVar aggregate classification (germline): Uncertain significance (1 of 4 stars; one submission).

Conditions:
Hereditary cancer-predisposing syndrome. Also called: Hereditary Cancer Syndrome; Hereditary neoplastic syndrome; Neoplastic Syndromes, Hereditary; Tumor predisposition. Identifiers: Orphanet 140162, MedGen C0027672, MeSH D009386, MONDO:0015356.

Submission:

Ambry Genetics
Classification: Uncertain significance for Hereditary cancer-predisposing syndrome. Last evaluated: 2020-11-13. Review status: criteria provided, single submitter. Criteria: Ambry Variant Classification Scheme 2023. Collection method: clinical testing. Allele origin: germline.
Comment: The p.S147Y variant (also known as c.440C>A), located in coding exon 2 of the BLM gene, results from a C to A substitution at nucleotide position 440. The serine at codon 147 is replaced by tyrosine, an amino acid with dissimilar properties. This amino acid position is highly conserved in available vertebrate species. In addition, this alteration is predicted to be tolerated by in silico analysis. Since supporting evidence is limited at this time, the clinical significance of this alteration remains unclear.